The following is an entry in ClinVar:

ClinVar aggregate classification (germline): Uncertain significance (1 of 4 stars; one submission).

Conditions:
TNF receptor-associated periodic fever syndrome (TRAPS) (FPF). Also called: FAMILIAL HIBERNIAN FEVER; TNF RECEPTOR-ASSOCIATED PERIODIC SYNDROME; TUMOR NECROSIS FACTOR RECEPTOR-ASSOCIATED PERIODIC SYNDROME; TNF Receptor-Associated Periodic Fever Syndrome; Autosomal Dominant Familial Periodic Fever; TNF receptor 1-associated periodic fever syndrome. Identifiers: Orphanet 32960, MedGen C1275126, MONDO:0007727, OMIM 142680.

Submission:

Labcorp Genetics (formerly Invitae), Labcorp
Classification: Uncertain significance for TNF receptor-associated periodic fever syndrome (TRAPS). Last evaluated: 2022-10-10. Review status: criteria provided, single submitter. Criteria: Invitae Variant Classification Sherloc (09022015). Collection method: clinical testing. Allele origin: germline.
Comment: This variant, c.609_620del, is a complex sequence change that results in the deletion of 4 and insertion of 1 amino acid(s) in the TNFRSF1A protein (p.Lys203_Asp207delinsAsn). This variant is not present in population databases (gnomAD no frequency). This variant has not been reported in the literature in individuals affected with TNFRSF1A-related conditions. Experimental studies and prediction algorithms are not available or were not evaluated, and the functional significance of this variant is currently unknown. In summary, the available evidence is currently insufficient to determine the role of this variant in disease. Therefore, it has been classified as a Variant of Uncertain Significance.

NM_001065.4(TNFRSF1A):c.609_620del (p.Lys203_Asp207delinsAsn)

Gene: TNFRSF1A (TNF receptor superfamily member 1A; minus strand). Cytogenetic location: 12p13.31.
Variant type: Deletion.
Coding change: c.609_620del on transcript NM_001065.4 (MANE Select); coding-DNA positions 609 to 620, 12 bases deleted (GGGCACTGAGGA).
Protein change: p.Lys203_Asp207delinsAsn.
Molecular consequence: inframe indel.
Genome position (GRCh38, 1-based): chr12:6,330,858-6,330,869, TCCTCAGTGCCC deleted on the plus strand (GGGCACTGAGGA on the coding strand, the reverse complement: TNFRSF1A is on the minus strand); deleting any 12 consecutive bases within chr12:6,330,858-6,330,870 gives the same sequence; the c. name uses the placement nearest the transcript's 3' end. VCF-style (leftmost placement, unchanged base first): chr12-6330857-GTCCTCAGTGCCC-G. GRCh37 (hg19) VCF-style: chr12-6440023-GTCCTCAGTGCCC-G.
Other names: c.285_296del, p.Lys95_Asp99delinsAsn (NM_001346091.2); c.150_161del, p.Lys50_Asp54delinsAsn (NM_001346092.2).
Identifiers: ClinVar variation 2035043 (VCV002035043.4), dbSNP rs2497792720, ClinGen allele CA2580086235.